The following is an entry in ClinVar:

NM_033056.4(PCDH15):c.5573_5576dup (p.Lys1859delinsAsnTer)

Gene: PCDH15 (protocadherin related 15; minus strand). Cytogenetic location: 10q21.1.
Variant type: Duplication.
Coding change: c.5573_5576dup on transcript NM_033056.4 (MANE Plus Clinical); coding-DNA positions 5573 to 5576, 4 bases duplicated (TTAA; older notation c.5573_5576dupTTAA).
Protein change: p.Lys1859delinsAsnTer.
Molecular consequence: nonsense. On other transcripts: intron variant (8).
Genome position (GRCh38, 1-based): chr10:53,822,150-53,822,153, TTAA duplicated on the plus strand (TTAA on the coding strand, the reverse complement: PCDH15 is on the minus strand); duplicating any 4 consecutive bases within chr10:53,822,150-53,822,155 gives the same sequence; the c. name uses the placement nearest the transcript's 3' end. VCF-style (leftmost placement, unchanged base first): chr10-53822149-C-CTTAA. GRCh37 (hg19) VCF-style: chr10-55581909-C-CTTAA.
Other names: c.5594_5597dup, p.Lys1866delinsAsnTer (NM_001142763.2); c.5579_5582dup, p.Lys1861delinsAsnTer (NM_001142764.2); c.5366_5369dup, p.Lys1790delinsAsnTer (NM_001142765.2); c.5564_5567dup, p.Lys1856delinsAsnTer (NM_001142766.2); c.5453_5456dup, p.Lys1819delinsAsnTer (NM_001142767.2); c.5513_5516dup, p.Lys1839delinsAsnTer (NM_001142768.2); c.5504_5507dup, p.Lys1836delinsAsnTer (NM_001142773.2); c.5507_5510dup, p.Lys1837delinsAsnTer (NM_001354404.2); and 7 more.
Identifiers: ClinVar variation 931061 (VCV000931061.16), dbSNP rs770082088, ClinGen allele CA5505007.

ClinVar aggregate classification (germline): Conflicting classifications of pathogenicity. Review status: criteria provided, conflicting classifications (1 of 4 stars). 6 submissions from 6 submitters: Likely pathogenic (1); Uncertain significance (3); Likely benign (1). 1 of the submissions does not count toward it. Last evaluated 2026-04-22.

Conditions:
Usher syndrome type 1F (USH1F). Also called: USHER SYNDROME, TYPE IF. Identifiers: Orphanet 231169, Orphanet 886, MedGen C1865885, MONDO:0011186, OMIM 602083.
Usher syndrome type 1D (USH1D). Also called: USHER SYNDROME, TYPE ID. Identifiers: Orphanet 231169, Orphanet 886, MedGen C1832845, MONDO:0010984, OMIM 601067.

Submissions (6):

GeneDx
Classification: Uncertain significance. Last evaluated: 2026-04-22. Review status: criteria provided, single submitter. Criteria: GeneDx Variant Classification Process June 2021. Collection method: clinical testing. Allele origin: germline.
Comment: Reported as a de novo variant in a patient with intellectual disability and epilepsy in published literature; patient was found to harbor additional de novo variants that may explain the phenotype (PMID: 34948243); Frameshift variant predicted to result in abnormal protein length as the last 97 amino acid(s) are replaced with 1 different amino acid(s); This variant is associated with the following publications: (PMID: 34948243)

Labcorp Genetics (formerly Invitae), Labcorp
Classification: Likely benign. Last evaluated: 2025-12-17. Review status: criteria provided, single submitter. Criteria: Invitae Variant Classification Sherloc (09022015). Collection method: clinical testing. Allele origin: germline.

Blueprint Genetics
Classification: Uncertain significance. Last evaluated: 2023-02-17. Review status: criteria provided, single submitter. Criteria: ACMG Guidelines, 2015. Collection method: clinical testing. Allele origin: germline.

Centre for Mendelian Genomics, University Medical Centre Ljubljana
Classification: Uncertain significance for Usher syndrome type 1D. Last evaluated: 2019-05-04. Review status: criteria provided, single submitter. Criteria: ACMG Guidelines, 2015. Collection method: clinical testing. Allele origin: unknown. Affected: yes.
Comment: This variant was classified as: Uncertain significance. The following ACMG criteria were applied in classifying this variant: PM2,PP3.

Kariminejad - Najmabadi Pathology & Genetics Center
Classification: Likely pathogenic for Usher syndrome type 1F. Review status: criteria provided, single submitter. Criteria: ACMG Guidelines, 2015. Collection method: clinical testing. Allele origin: germline. Affected: no.

Natera, Inc.
Classification: Uncertain significance for Usher syndrome type 1F. Last evaluated: 2020-04-13. Review status: no assertion criteria provided. Collection method: clinical testing. Allele origin: germline. Not counted in ClinVar's aggregate classification.